The following is an entry in ClinVar:

NM_002292.4(LAMB2):c.4773dup (p.Arg1592fs)

Gene: LAMB2 (laminin subunit beta 2; minus strand). Cytogenetic location: 3p21.31.
Variant type: Duplication.
Coding change: c.4773dup on transcript NM_002292.4 (MANE Select); coding-DNA position 4773, one base duplicated (G; older notation c.4773dupG).
Protein change: p.Arg1592fs; shifts the reading frame from arginine 1592.
Molecular consequence: frameshift variant.
Genome position (GRCh38, 1-based): chr3:49,122,171, C duplicated on the plus strand (G on the coding strand, the reverse complement: LAMB2 is on the minus strand); the first of 2 consecutive C bases (chr3:49,122,171-49,122,172); duplicating either gives the same sequence. VCF-style (leftmost placement, unchanged base first): chr3-49122170-G-GC. GRCh37 (hg19) VCF-style: chr3-49159603-G-GC.
Other names: c.4773dupG (NM_002292.3); short protein forms R1592fs.
Identifiers: ClinVar variation 472489 (VCV000472489.3), dbSNP rs1553776921, ClinGen allele CA658657298.

ClinVar aggregate classification (germline): Pathogenic (1 of 4 stars; one submission).

Conditions:
Pierson syndrome. Also called: MICROCORIA-CONGENITAL NEPHROTIC SYNDROME. Identifiers: Orphanet 2670, MedGen C1836876, MONDO:0012184, OMIM 609049.
LAMB2-related infantile-onset nephrotic syndrome. Also called: NEPHROTIC SYNDROME, TYPE 5, WITHOUT OCULAR ABNORMALITIES; NEPHROTIC SYNDROME, TYPE 5, WITH OCULAR ABNORMALITIES; Nephrotic Syndrome, type 5. Identifiers: Orphanet 306507, MedGen C3280113, MONDO:0013621, OMIM 614199.

Submission:

Labcorp Genetics (formerly Invitae), Labcorp
Classification: Pathogenic for LAMB2-related infantile-onset nephrotic syndrome; Pierson syndrome. Last evaluated: 2017-07-20. Review status: criteria provided, single submitter. Criteria: Invitae Variant Classification Sherloc (09022015). Collection method: clinical testing. Allele origin: germline.
Comment: This variant has been reported in combination with another LAMB2 variant in an individual affected with Pierson syndrome (PMID: 25937001). Loss-of-function variants in LAMB2 are known to be pathogenic (PMID: 15367484). For these reasons, this variant has been classified as Pathogenic. This variant is not present in population databases (ExAC no frequency). This sequence change creates a premature translational stop signal (p.Arg1592Alafs*7) in the LAMB2 gene. It is expected to result in an absent or disrupted protein product.

Literature cited by the submitters: PubMed 25937001; PubMed 15367484.